The following is an entry in ClinVar:

ClinVar aggregate classification (germline): Likely benign. Review status: criteria provided, multiple submitters, no conflicts (2 of 4 stars). 4 submissions from 4 submitters: Likely benign (3). 1 of the submissions does not count toward it. Last evaluated 2026-01-01.

Conditions:
TOPORS-related disorder. Also called: TOPORS-related condition.

Allele frequency attached by ClinVar (database versions not stated): gnomAD exomes 0.00003 and 0.00007; ExAC 0.00009; ESP Exome Variant Server 0.00015; TOPMed 0.00022; gnomAD 0.00023 and 0.00024.
gnomAD v4.1: 89 of 1,614,084 alleles (0.0055%); highest among the groups gnomAD compares: African/African-American, 0.075%; no homozygotes.

Submissions (4):

Labcorp Genetics (formerly Invitae), Labcorp
Classification: Likely benign. Last evaluated: 2026-01-01. Review status: criteria provided, single submitter. Criteria: Invitae Variant Classification Sherloc (09022015). Collection method: clinical testing. Allele origin: germline.

Blueprint Genetics
Classification: Likely benign. Last evaluated: 2024-04-19. Review status: criteria provided, single submitter. Criteria: ACMG Guidelines, 2015. Collection method: clinical testing. Allele origin: germline.

Breakthrough Genomics
Classification: Likely benign. Review status: criteria provided, single submitter. Criteria: ACMG Guidelines, 2015. Collection method: not provided. Allele origin: germline. Inheritance: Unknown mechanism. Affected: yes.

PreventionGenetics, part of Exact Sciences
Classification: Likely benign for TOPORS-related condition. Last evaluated: 2019-08-07. Review status: no assertion criteria provided. Collection method: clinical testing. Allele origin: germline. Not counted in ClinVar's aggregate classification.
Comment: This variant is classified as likely benign based on ACMG/AMP sequence variant interpretation guidelines (Richards et al. 2015 PMID: 25741868, with internal and published modifications).

NM_005802.5(TOPORS):c.1158T>C (p.His386=)

Gene: TOPORS (TOP1 binding arginine/serine rich protein, E3 ubiquitin ligase; minus strand). Cytogenetic location: 9p21.1.
Variant type: single nucleotide variant.
Coding change: c.1158T>C on transcript NM_005802.5 (MANE Select); coding-DNA position 1158, T replaced by C.
Protein change: p.His386=; no amino-acid change (histidine 386 retained).
Molecular consequence: synonymous variant.
Genome position (GRCh38, 1-based): chr9:32,543,367, A>G on the plus strand (T>C on the coding strand, the complement: TOPORS is on the minus strand). VCF-style: chr9-32543367-A-G. GRCh37 (hg19) VCF-style: chr9-32543365-A-G.
Other names: c.963T>C, p.His321= (NM_001195622.2); c.1158T>C (NM_005802.4).
Identifiers: ClinVar variation 1104279 (VCV001104279.13), dbSNP rs376749677, ClinGen allele CA5020562.
Genomic context (GRCh38, chr9:32,543,367, plus strand): 5'-AATATCCAGCTCTTGGGTCTCAGCCTCATCTGGAGATATTGTTATGACTGAAGAATCAGA[A>G]TGGCTGCCTTCTTCGTATGAAGGAGCAGGGCAATCATAATTGGCATGCTGGTCAAAGGCT-3'
Protein context (NP_005793.2, residues 376-396): CPAPSYEEGS[His386=]SDSSVITISP